The following is an entry in ClinVar:

NM_007294.4(BRCA1):c.664A>G (p.Lys222Glu)

Gene: BRCA1 (BRCA1 DNA repair associated; minus strand). Cytogenetic location: 17q21.31.
Variant type: single nucleotide variant.
Coding change: c.664A>G on transcript NM_007294.4 (MANE Select); coding-DNA position 664, A replaced by G.
Protein change: p.Lys222Glu; replaces lysine 222 with glutamic acid.
Molecular consequence: missense variant. On other transcripts: non-coding transcript variant (1).
Genome position (GRCh38, 1-based): chr17:43,095,852, T>C on the plus strand (A>G on the coding strand, the complement: BRCA1 is on the minus strand). VCF-style: chr17-43095852-T-C. GRCh37 (hg19) VCF-style: chr17-41247869-T-C.
Other names: c.664A>G, p.Lys222Glu (NM_001407625.1, NM_001407626.1, NM_001407639.1 and 59 more transcripts); c.661A>G, p.Lys221Glu (NM_001407627.1, NM_001407628.1, NM_001407629.1 and 41 more transcripts); c.655A>G, p.Lys219Glu (NM_001407646.1, NM_001407647.1, NM_001408408.1); c.586A>G, p.Lys196Glu (NM_001407653.1, NM_001407654.1, NM_001407655.1 and 9 more transcripts); c.583A>G, p.Lys195Glu (NM_001407659.1, NM_001407660.1, NM_001407661.1 and 3 more transcripts); c.523A>G, p.Lys175Glu (NM_001407692.1, NM_001407694.1, NM_001407695.1 and 43 more transcripts); c.520A>G, p.Lys174Glu (NM_001407740.1, NM_001407741.1, NM_001407742.1 and 26 more transcripts); c.451A>G, p.Lys151Glu (NM_001407853.1, NM_001407894.1, NM_001407895.1 and 12 more transcripts); and 4 more; short protein forms K175E, K177E, K196E, K221E, K151E, K174E, K219E, K94E.
Identifiers: ClinVar variation 1754673 (VCV001754673.6), dbSNP rs2552233164, ClinGen allele CA10600773.
Genomic context (GRCh38, chr17:43,095,852, plus strand): 5'-GTATCTACCCACTCTCTTTTCAGTGCCTGTTAAGTTGGCAAACTTTGCCATTACCCTTTT[T>C]TGCAGAATCCAAACTGATTTCATCCCTGGTTCCTTGAGGGGTGATTTGTAACAATTCTTG-3'
Protein context (NP_009225.1, residues 212-232): TRDEISLDSA[Lys222Glu]KAACEFSETD

ClinVar aggregate classification (germline): Uncertain significance. Review status: criteria provided, multiple submitters, no conflicts (2 of 4 stars). 4 submissions from 4 submitters: Uncertain significance (4). Last evaluated 2025-07-02.

Conditions:
Hereditary cancer-predisposing syndrome. Also called: Neoplastic Syndromes, Hereditary; Tumor predisposition; Hereditary neoplastic syndrome; Hereditary Cancer Syndrome. Identifiers: Orphanet 140162, MedGen C0027672, MeSH D009386, MONDO:0015356.
Hereditary breast ovarian cancer syndrome. Also called: Hereditary breast and ovarian cancer syndrome; Hereditary breast and ovarian cancer; Hereditary breast and ovarian cancer syndrome (HBOC); Breast and ovarian cancer; Hereditary breast and/or ovarian cancer syndrome; BRCA1- and BRCA2-Associated Hereditary Breast and Ovarian Cancer. Identifiers: Orphanet 145, MedGen C0677776, MeSH D061325, MONDO:0003582. Disease mechanism: loss of function.
Breast-ovarian cancer, familial, susceptibility to, 1 (BROVCA1). Also called: OVARIAN CANCER, SUSCEPTIBILITY TO; BRCA1 Hereditary Breast and Ovarian Cancer. Identifiers: Orphanet 145, MedGen C2676676, MONDO:0011450, OMIM 604370. Disease mechanism: loss of function.

gnomAD v4.1: 1 of 1,613,350 alleles (0.000062%); no homozygotes.

Submissions (4):

Color Diagnostics, LLC DBA Color Health
Classification: Uncertain significance for Hereditary cancer-predisposing syndrome. Last evaluated: 2025-07-02. Review status: criteria provided, single submitter. Criteria: ACMG Guidelines, 2015. Collection method: clinical testing. Allele origin: germline.
Comment: This missense variant replaces lysine with glutamic acid at codon 222 of the BRCA1 protein. Computational prediction is inconclusive regarding the impact of this variant on protein structure and function. To our knowledge, functional studies have not been reported for this variant. This variant has not been reported in individuals affected with BRCA1-related disorders in the literature. This variant has not been identified in the general population by the Genome Aggregation Database (gnomAD). The available evidence is insufficient to determine the role of this variant in disease conclusively. Therefore, this variant is classified as a Variant of Uncertain Significance.

Labcorp Genetics (formerly Invitae), Labcorp
Classification: Uncertain significance for Hereditary breast ovarian cancer syndrome. Last evaluated: 2024-12-11. Review status: criteria provided, single submitter. Criteria: Invitae Variant Classification Sherloc (09022015). Collection method: clinical testing. Allele origin: germline.
Comment: This sequence change replaces lysine, which is basic and polar, with glutamic acid, which is acidic and polar, at codon 222 of the BRCA1 protein (p.Lys222Glu). This variant is not present in population databases (gnomAD no frequency). This variant has not been reported in the literature in individuals affected with BRCA1-related conditions. ClinVar contains an entry for this variant (Variation ID: 1754673). Invitae Evidence Modeling of protein sequence and biophysical properties (such as structural, functional, and spatial information, amino acid conservation, physicochemical variation, residue mobility, and thermodynamic stability) indicates that this missense variant is not expected to disrupt BRCA1 protein function with a negative predictive value of 80%. In summary, the available evidence is currently insufficient to determine the role of this variant in disease. Therefore, it has been classified as a Variant of Uncertain Significance.

Ambry Genetics
Classification: Uncertain significance for Hereditary cancer-predisposing syndrome. Last evaluated: 2023-07-28. Review status: criteria provided, single submitter. Criteria: Ambry Variant Classification Scheme 2023. Collection method: clinical testing. Allele origin: germline.
Comment: The p.K222E variant (also known as c.664A>G), located in coding exon 8 of the BRCA1 gene, results from an A to G substitution at nucleotide position 664. The lysine at codon 222 is replaced by glutamic acid, an amino acid with similar properties. This amino acid position is not well conserved in available vertebrate species. In addition, the in silico prediction for this alteration is inconclusive. Since supporting evidence is limited at this time, the clinical significance of this alteration remains unclear.

Baylor Genetics
Classification: Uncertain significance for Breast-ovarian cancer, familial, susceptibility to, 1. Last evaluated: 2023-05-10. Review status: criteria provided, single submitter. Criteria: ACMG Guidelines, 2015. Collection method: clinical testing. Allele origin: unknown.